The following is an entry in ClinVar:

NM_000533.5(PLP1):c.785C>G (p.Thr262Ser)

Genes: PLP1 (proteolipid protein 1; plus strand), RAB9B (RAB9B, member RAS oncogene family; minus strand). Cytogenetic location: Xq22.2.
Variant type: single nucleotide variant.
Coding change: c.785C>G on transcript NM_000533.5 (MANE Select); coding-DNA position 785, C replaced by G.
Protein change: p.Thr262Ser; replaces threonine 262 with serine.
Molecular consequence: missense variant.
Genome position (GRCh38, 1-based): chrX:103,790,549, C>G. VCF-style: chrX-103790549-C-G. GRCh37 (hg19) VCF-style: chrX-103045477-C-G.
Other names: c.785C>G, p.Thr262Ser (NM_001128834.3); c.620C>G, p.Thr207Ser (NM_001305004.1); c.680C>G, p.Thr227Ser (NM_199478.3); short protein forms T227S, T262S, T207S.
Identifiers: ClinVar variation 1383968 (VCV001383968.6), dbSNP rs2074536435, ClinGen allele CA414104902.
Genomic context (GRCh38, chrX:103,790,549, plus strand): 5'-TCTACTCTCATTCACATTCTCTCTTCTGTTCCCTACAGCTCACCTTCATGATTGCTGCCA[C>G]TTACAACTTTGCCGTCCTTAAACTCATGGGCCGAGGCACCAAGTTCTGATCCCCCGTAGA-3'
Protein context (NP_000524.3, residues 252-272): VSLLTFMIAA[Thr262Ser]YNFAVLKLMG

ClinVar aggregate classification (germline): Uncertain significance (1 of 4 stars; one submission).

Conditions:
Hereditary spastic paraplegia 2 (SPG2). Also called: SPASTIC PARAPLEGIA 2, X-LINKED; Spastic Paraplegia 2 (SPG2). Identifiers: Orphanet 99015, MedGen C0751604, MONDO:0010733, OMIM 312920.

Submission:

Labcorp Genetics (formerly Invitae), Labcorp
Classification: Uncertain significance for Hereditary spastic paraplegia 2. Last evaluated: 2021-09-30. Review status: criteria provided, single submitter. Criteria: Invitae Variant Classification Sherloc (09022015). Collection method: clinical testing. Allele origin: germline.
Comment: In summary, the available evidence is currently insufficient to determine the role of this variant in disease. Therefore, it has been classified as a Variant of Uncertain Significance. Algorithms developed to predict the effect of missense changes on protein structure and function are either unavailable or do not agree on the potential impact of this missense change (SIFT: "Not Available"; PolyPhen-2: "Benign"; Align-GVGD: "Not Available"). This variant has not been reported in the literature in individuals affected with PLP1-related conditions. This variant is not present in population databases (ExAC no frequency). This sequence change replaces threonine with serine at codon 262 of the PLP1 protein (p.Thr262Ser). The threonine residue is highly conserved and there is a small physicochemical difference between threonine and serine.